The following is an entry in ClinVar:

NM_018089.3(ANKZF1):c.2152C>T (p.Arg718Cys)

Gene: ANKZF1 (ankyrin repeat and zinc finger peptidyl tRNA hydrolase 1; plus strand). Cytogenetic location: 2q35.
Variant type: single nucleotide variant.
Coding change: c.2152C>T on transcript NM_018089.3 (MANE Select); coding-DNA position 2152, C replaced by T.
Protein change: p.Arg718Cys; replaces arginine 718 with cysteine.
Molecular consequence: missense variant.
Genome position (GRCh38, 1-based): chr2:219,236,416, C>T. VCF-style: chr2-219236416-C-T. GRCh37 (hg19) VCF-style: chr2-220101138-C-T.
Other names: c.2152C>T (NM_018089.2); c.2152C>T, p.Arg718Cys (NM_001042410.2); c.1522C>T, p.Arg508Cys (NM_001282792.2); short protein forms R718C, R508C.
Identifiers: ClinVar variation 1355089 (VCV001355089.7), dbSNP rs368155535, ClinGen allele CA2121330.

ClinVar aggregate classification (germline): Uncertain significance. Review status: criteria provided, multiple submitters, no conflicts (2 of 4 stars). 2 submissions from 2 submitters: Uncertain significance (2). Last evaluated 2026-02-01.

Allele frequency attached by ClinVar (database versions not stated): gnomAD 0.00004; TOPMed 0.00007; ESP Exome Variant Server 0.00008; gnomAD exomes 0.00008 and 0.00009; ExAC 0.00013.
gnomAD v4.1: 122 of 1,610,818 alleles (0.0076%); highest among the groups gnomAD compares: Middle Eastern, 0.016%; no homozygotes.

Submissions (2):

Labcorp Genetics (formerly Invitae), Labcorp
Classification: Uncertain significance. Last evaluated: 2026-02-01. Review status: criteria provided, single submitter. Criteria: Invitae Variant Classification Sherloc (09022015). Collection method: clinical testing. Allele origin: germline.
Comment: This sequence change replaces arginine, which is basic and polar, with cysteine, which is neutral and slightly polar, at codon 718 of the ANKZF1 protein (p.Arg718Cys). This variant is present in population databases (rs368155535, gnomAD 0.02%). This variant has not been reported in the literature in individuals affected with ANKZF1-related conditions. ClinVar contains an entry for this variant (Variation ID: 1355089). An algorithm developed to predict the effect of missense changes on protein structure and function (PolyPhen-2) suggests that this variant is likely to be disruptive. In summary, the available evidence is currently insufficient to determine the role of this variant in disease. Therefore, it has been classified as a Variant of Uncertain Significance.

Ambry Genetics
Classification: Uncertain significance. Last evaluated: 2024-06-10. Review status: criteria provided, single submitter. Criteria: Ambry Variant Classification Scheme 2023. Collection method: clinical testing. Allele origin: germline.